The following is an entry in ClinVar:

ClinVar aggregate classification (germline): Likely benign (1 of 4 stars; one submission).

Conditions:
NPHP4-related disorder. Also called: NPHP4-related disorders; NPHP4-related condition. Identifiers: MedGen CN239384.

Submission:

PreventionGenetics, part of Exact Sciences
Classification: Likely benign for NPHP4-related condition. Last evaluated: 2025-10-21. Review status: criteria provided, single submitter. Criteria: ACMG Guidelines, 2015. Collection method: clinical testing. Allele origin: germline.
Comment: This variant is classified as likely benign based on ACMG/AMP sequence variant interpretation guidelines (Richards et al. 2015 PMID: 25741868, with internal and published modifications).

NM_015102.5(NPHP4):c.1192C>T (p.Leu398=)

Gene: NPHP4 (nephrocystin 4; minus strand). Cytogenetic location: 1p36.31.
Variant type: single nucleotide variant.
Coding change: c.1192C>T on transcript NM_015102.5 (MANE Select); coding-DNA position 1192, C replaced by T.
Protein change: p.Leu398=; no amino-acid change (leucine 398 retained).
Molecular consequence: synonymous variant. On other transcripts: 5 prime UTR variant (2), non-coding transcript variant (1).
Genome position (GRCh38, 1-based): chr1:5,933,257, G>A on the plus strand (C>T on the coding strand, the complement: NPHP4 is on the minus strand). VCF-style: chr1-5933257-G-A. GRCh37 (hg19) VCF-style: chr1-5993317-G-A.
Other names: c.-175C>T (NM_001291593.2, NM_001291594.2).
Identifiers: ClinVar variation 4996508 (VCV004996508.1).